The following is an entry in ClinVar:

NM_006648.4(WNK2):c.3923C>T (p.Thr1308Ile)

Gene: WNK2 (WNK lysine deficient protein kinase 2; plus strand). Cytogenetic location: 9q22.31.
Variant type: single nucleotide variant.
Coding change: c.3923C>T on transcript NM_006648.4 (MANE Select); coding-DNA position 3923, C replaced by T.
Protein change: p.Thr1308Ile; replaces threonine 1308 with isoleucine.
Molecular consequence: missense variant.
Genome position (GRCh38, 1-based): chr9:93,268,636, C>T. VCF-style: chr9-93268636-C-T. GRCh37 (hg19) VCF-style: chr9-96030918-C-T.
Other names: c.3923C>T, p.Thr1308Ile (NM_001282394.3); short protein forms T1308I.
Identifiers: ClinVar variation 3981951 (VCV003981951.1).

ClinVar aggregate classification (germline): Uncertain significance (1 of 4 stars; one submission).

Submission:

Ambry Genetics
Classification: Uncertain significance. Last evaluated: 2025-04-28. Review status: criteria provided, single submitter. Criteria: Ambry Variant Classification Scheme 2023. Collection method: clinical testing. Allele origin: germline.
Comment: The p.T1308I variant (also known as c.3923C>T), located in coding exon 18 of the WNK2 gene, results from a C to T substitution at nucleotide position 3923. The threonine at codon 1308 is replaced by isoleucine, an amino acid with similar properties. This amino acid position is conserved. In addition, the in silico prediction for this alteration is inconclusive. Based on the available evidence, the clinical significance of this variant remains unclear.